The following is an entry in ClinVar:

ClinVar aggregate classification (germline): Uncertain significance (1 of 4 stars; one submission).

Conditions:
Intellectual developmental disorder, X-linked, syndromic, Turner type. Also called: Intellectual disability, X-linked syndromic, Turner type; X-linked intellectual disability, Turner type. Identifiers: Orphanet 3056, Orphanet 85328, MedGen C2678046, MONDO:0010407, OMIM 309590.

Submission:

Pittsburgh Clinical Genomics Laboratory, University of Pittsburgh Medical Center
Classification: Uncertain significance for Intellectual developmental disorder, X-linked, syndromic, Turner type. Last evaluated: 2023-03-23. Review status: criteria provided, single submitter. Criteria: ACMG Guidelines, 2015. Collection method: clinical testing. Allele origin: germline. Inheritance: X-linked inheritance. Affected: yes.
Comment: This sequence variant is a single nucleotide substitution (G>A) at coding position 10930 in the HUWE1 gene which results in a glutamic acid to lysine amino acid change at residue 3644 in the HUWE1 protein. This novel variant has not been reported in clinical genetics databases or observed in the medical literature in individuals with HUWE1-related disease, to our knowledge. This variant is absent from the gnomAD population database (0/~201000 alleles). Glutamic acid is highly conserved at this protein position in mammals. Bioinformatic tools are inconclusive if this amino acid change is likely to be damaging or tolerated. Functiol studies assessing the effect of this variant on protein structure or activity have not been performed, to our knowledge. At this time, there is insufficient evidence to determine if this variant is pathogenic or benign. Therefore, we consider it to be a variant of uncertain significance. ACMG Criteria: PM2

NM_031407.7(HUWE1):c.10930G>A (p.Glu3644Lys)

Gene: HUWE1 (HECT, UBA and WWE domain containing E3 ubiquitin protein ligase 1; minus strand). Cytogenetic location: Xp11.22.
Variant type: single nucleotide variant.
Coding change: c.10930G>A on transcript NM_031407.7 (MANE Select); coding-DNA position 10930, G replaced by A.
Protein change: p.Glu3644Lys; replaces glutamic acid 3644 with lysine.
Molecular consequence: missense variant.
Genome position (GRCh38, 1-based): chrX:53,545,147, C>T on the plus strand (G>A on the coding strand, the complement: HUWE1 is on the minus strand). VCF-style: chrX-53545147-C-T. GRCh37 (hg19) VCF-style: chrX-53572108-C-T.
Other names: short protein forms E3644K.
Identifiers: ClinVar variation 3376170 (VCV003376170.1).
Genomic context (GRCh38, chrX:53,545,147, plus strand): 5'-CAGGAGAGAGGGTTTCACATTGGGCTCGCCGCTGCTGCTCGAGGTTGTATTCCCGCAGCT[C>T]GGCCAGCAGGGTACCTGAGCAGGCAGAGGAGTCAGCAAGTGTTCAGAGACTCCCCTGGTA-3'
Protein context (NP_113584.3, residues 3634-3654): LCKQIGTLLA[Glu3644Lys]LREYNLEQQR